The following is an entry in ClinVar:

NM_001100913.3(PACS2):c.1051-5C>G

Gene: PACS2 (phosphofurin acidic cluster sorting protein 2; plus strand). Cytogenetic location: 14q32.33.
Variant type: single nucleotide variant.
Coding change: c.1051-5C>G on transcript NM_001100913.3 (MANE Select); 5 bases into the intron before coding-DNA position 1051, C replaced by G.
Molecular consequence: intron variant.
Genome position (GRCh38, 1-based): chr14:105,380,075, C>G. VCF-style: chr14-105380075-C-G. GRCh37 (hg19) VCF-style: chr14-105846412-C-G.
Other names: c.826-5C>G (NM_001243127.3); c.1051-5C>G (NM_015197.4).
Identifiers: ClinVar variation 2084456 (VCV002084456.22), dbSNP rs781825888, ClinGen allele CA616253796.

ClinVar aggregate classification (germline): Likely benign. Review status: criteria provided, multiple submitters, no conflicts (2 of 4 stars). 2 submissions from 2 submitters: Likely benign (2). Last evaluated 2024-07-06.

gnomAD v4.1: 5 of 1,551,886 alleles (0.00032%); highest among the groups gnomAD compares: African/African-American, 0.0014%; no homozygotes.

Submissions (2):

Labcorp Genetics (formerly Invitae), Labcorp
Classification: Likely benign. Last evaluated: 2024-07-06. Review status: criteria provided, single submitter. Criteria: Invitae Variant Classification Sherloc (09022015). Collection method: clinical testing. Allele origin: germline.

CeGaT Center for Human Genetics Tuebingen
Classification: Likely benign. Last evaluated: 2024-06-01. Review status: criteria provided, single submitter. Criteria: CeGaT Center For Human Genetics Tuebingen Variant Classification Criteria Version 2. Collection method: clinical testing. Allele origin: germline. Affected: yes. Observed: 1 variant allele.
Comment: PACS2: BP4